The following is an entry in ClinVar:

NM_001349253.2(SCN11A):c.2725G>A (p.Val909Ile)

Gene: SCN11A (sodium voltage-gated channel alpha subunit 11; minus strand). Cytogenetic location: 3p22.2.
Variant type: single nucleotide variant.
Coding change: c.2725G>A on transcript NM_001349253.2 (MANE Select); coding-DNA position 2725, G replaced by A.
Protein change: p.Val909Ile; replaces valine 909 with isoleucine.
Molecular consequence: missense variant.
Genome position (GRCh38, 1-based): chr3:38,894,643, C>T on the plus strand (G>A on the coding strand, the complement: SCN11A is on the minus strand). VCF-style: chr3-38894643-C-T. GRCh37 (hg19) VCF-style: chr3-38936134-C-T.
Other names: c.2725G>A, p.Val909Ile (NM_014139.3); short protein forms V909I.
Identifiers: ClinVar variation 260335 (VCV000260335.14), dbSNP rs33985936, ClinGen allele CA2321984.
Genomic context (GRCh38, chr3:38,894,643, plus strand): 5'-AAAATTCAACGTCATCTTCCTCCTCCGCAAGTGGTGCCAACCAAGTCCAATCATGCCTGA[C>T]GCCCAGGGTCTTTGGTACAGAGGTTAGTATACCAAGCTCCTCCTGGGTCTCTGAGCCCCT-3'
Protein context (NP_001336182.1, residues 899-919): ILTSVPKTLG[Val909Ile]RHDWTWLAPL

ClinVar aggregate classification (germline): Benign. Review status: criteria provided, multiple submitters, no conflicts (2 of 4 stars). 7 submissions from 6 submitters: Benign (7). Last evaluated 2026-02-03.

Conditions:
Familial episodic pain syndrome with predominantly lower limb involvement. Also called: Episodic pain syndrome, familial, 3. Identifiers: Orphanet 391384, Orphanet 391392, MedGen C3809899, MONDO:0014247, OMIM 615552.
Hereditary sensory and autonomic neuropathy type 7. Also called: Neuropathy, hereditary sensory and autonomic, type VII; HSAN VII. Identifiers: Orphanet 391397, MedGen C3809882, MONDO:0014244, OMIM 615548.

Allele frequency attached by ClinVar (database versions not stated): 1000 Genomes Project 0.15355; TOPMed 0.20029; 1000 Genomes Project 30x 0.15600; ESP Exome Variant Server 0.20460; gnomAD 0.20310 and 0.20250.
gnomAD v4.1: 376,348 of 1,613,770 alleles (23%); highest among the groups gnomAD compares: Admixed American, 26%; 45,755 homozygotes.

Submissions (7):

Labcorp Genetics (formerly Invitae), Labcorp
Classification: Benign for Familial episodic pain syndrome with predominantly lower limb involvement; Hereditary sensory and autonomic neuropathy type 7. Last evaluated: 2026-02-03. Review status: criteria provided, single submitter. Criteria: Invitae Variant Classification Sherloc (09022015). Collection method: clinical testing. Allele origin: germline.

Genome-Nilou Lab
Classification: Benign for Familial episodic pain syndrome with predominantly lower limb involvement. Last evaluated: 2021-07-15. Review status: criteria provided, single submitter. Criteria: ACMG Guidelines, 2015. Collection method: clinical testing. Allele origin: germline. Affected: no.

Genome-Nilou Lab
Classification: Benign for Hereditary sensory and autonomic neuropathy type 7. Last evaluated: 2021-07-15. Review status: criteria provided, single submitter. Criteria: ACMG Guidelines, 2015. Collection method: clinical testing. Allele origin: germline. Affected: no.

GeneDx
Classification: Benign. Last evaluated: 2018-08-06. Review status: criteria provided, single submitter. Criteria: GeneDx Variant Classification Process June 2021. Collection method: clinical testing. Allele origin: germline. Affected: yes.
Comment: This variant is associated with the following publications: (PMID: 27224030, 28953656)

Mayo Clinic Laboratories, Mayo Clinic
Classification: Benign. Last evaluated: 2017-08-21. Review status: criteria provided, single submitter. Criteria: ACMG Guidelines, 2015. Collection method: clinical testing. Allele origin: germline. Observed: 575 variant alleles.

Breakthrough Genomics
Classification: Benign. Review status: criteria provided, single submitter. Criteria: ACMG Guidelines, 2015. Collection method: not provided. Allele origin: germline. Inheritance: Autosomal dominant inheritance. Affected: yes.

PreventionGenetics, part of Exact Sciences
Classification: Benign. Review status: criteria provided, single submitter. Criteria: ACMG Guidelines, 2015. Collection method: clinical testing. Allele origin: germline.